The following is an entry in ClinVar:

NM_001204.7(BMPR2):c.1300A>G (p.Met434Val)

Gene: BMPR2 (bone morphogenetic protein receptor type 2; plus strand). Cytogenetic location: 2q33.2.
Variant type: single nucleotide variant.
Coding change: c.1300A>G on transcript NM_001204.7 (MANE Select); coding-DNA position 1300, A replaced by G.
Protein change: p.Met434Val; replaces methionine 434 with valine.
Molecular consequence: missense variant.
Genome position (GRCh38, 1-based): chr2:202,542,334, A>G. VCF-style: chr2-202542334-A-G. GRCh37 (hg19) VCF-style: chr2-203407057-A-G.
Other names: short protein forms M434V.
Identifiers: ClinVar variation 4867584 (VCV004867584.1).

ClinVar aggregate classification (germline): Uncertain significance (1 of 4 stars; one submission).

Conditions:
Inborn genetic diseases. Identifiers: MedGen C0950123, MeSH D030342.

Submission:

Ambry Genetics
Classification: Uncertain significance for Inborn genetic diseases. Last evaluated: 2026-03-29. Review status: criteria provided, single submitter. Criteria: Ambry Variant Classification Scheme 2023. Collection method: clinical testing. Allele origin: germline.
Comment: The p.M434V variant (also known as c.1300A>G), located in coding exon 10 of the BMPR2 gene, results from an A to G substitution at nucleotide position 1300. The methionine at codon 434 is replaced by valine, an amino acid with highly similar properties. This amino acid position is conserved. In addition, this alteration is predicted to be deleterious by in silico analysis. Based on the available evidence, the clinical significance of this variant remains unclear.